The following is an entry in ClinVar:

NM_001205293.3(CACNA1E):c.12C>G (p.Phe4Leu)

Gene: CACNA1E (calcium voltage-gated channel subunit alpha1 E; plus strand). Cytogenetic location: 1q25.3.
Variant type: single nucleotide variant.
Coding change: c.12C>G on transcript NM_001205293.3 (MANE Select); coding-DNA position 12, C replaced by G.
Protein change: p.Phe4Leu; replaces phenylalanine 4 with leucine.
Molecular consequence: missense variant.
Genome position (GRCh38, 1-based): chr1:181,483,756, C>G. VCF-style: chr1-181483756-C-G. GRCh37 (hg19) VCF-style: chr1-181452892-C-G.
Other names: c.12C>G, p.Phe4Leu (NM_000721.4, NM_001205294.2); short protein forms F4L.
Identifiers: ClinVar variation 2087018 (VCV002087018.4), dbSNP rs1228809248, ClinGen allele CA343844156.

ClinVar aggregate classification (germline): Uncertain significance (1 of 4 stars; one submission).

gnomAD v4.1: 2 of 1,608,680 alleles (0.00012%); highest among the groups gnomAD compares: Non-Finnish European, 0.00017%; no homozygotes.

Submission:

Labcorp Genetics (formerly Invitae), Labcorp
Classification: Uncertain significance. Last evaluated: 2024-02-17. Review status: criteria provided, single submitter. Criteria: Invitae Variant Classification Sherloc (09022015). Collection method: clinical testing. Allele origin: germline.
Comment: This sequence change replaces phenylalanine, which is neutral and non-polar, with leucine, which is neutral and non-polar, at codon 4 of the CACNA1E protein (p.Phe4Leu). This variant is not present in population databases (gnomAD no frequency). This variant has not been reported in the literature in individuals affected with CACNA1E-related conditions. ClinVar contains an entry for this variant (Variation ID: 2087018). Advanced modeling of protein sequence and biophysical properties (such as structural, functional, and spatial information, amino acid conservation, physicochemical variation, residue mobility, and thermodynamic stability) has been performed at Invitae for this missense variant, however the output from this modeling did not meet the statistical confidence thresholds required to predict the impact of this variant on CACNA1E protein function. In summary, the available evidence is currently insufficient to determine the role of this variant in disease. Therefore, it has been classified as a Variant of Uncertain Significance.